The following is an entry in ClinVar:

ClinVar aggregate classification (germline): Benign. Review status: criteria provided, multiple submitters, no conflicts (2 of 4 stars). 2 submissions from 2 submitters: Benign (2). Last evaluated 2018-06-14.

Allele frequency attached by ClinVar (database versions not stated): TOPMed 0.48745; gnomAD 0.49254 and 0.49651; gnomAD exomes 0.51345; 1000 Genomes Project 0.51198; 1000 Genomes Project 30x 0.50890.

Submissions (2):

GeneDx
Classification: Benign. Last evaluated: 2018-06-14. Review status: criteria provided, single submitter. Criteria: GeneDx Variant Classification (06012015). Collection method: clinical testing. Allele origin: germline. Affected: yes.
Comment: This variant is considered likely benign or benign based on one or more of the following criteria: it is a conservative change, it occurs at a poorly conserved position in the protein, it is predicted to be benign by multiple in silico algorithms, and/or has population frequency not consistent with disease.

Breakthrough Genomics
Classification: Benign. Review status: criteria provided, single submitter. Criteria: ACMG Guidelines, 2015. Collection method: not provided. Allele origin: germline. Inheritance: Autosomal recessive inheritance. Affected: yes.

NM_014141.5(CNTNAP2):c.-115G>A

Gene: CNTNAP2 (contactin associated protein 2; plus strand). Cytogenetic location: 7q35.
Variant type: single nucleotide variant.
Coding change: c.-115G>A on transcript NM_014141.5; 115 bases upstream of the start codon, G replaced by A.
Genome position (GRCh38, 1-based): chr7:146,116,762, G>A. VCF-style: chr7-146116762-G-A. GRCh37 (hg19) VCF-style: chr7-145813854-G-A.
Identifiers: ClinVar variation 359171 (VCV000359171.9), dbSNP rs2462603, ClinGen allele CA10625426.